The following is an entry in ClinVar:

NM_152594.3(SPRED1):c.207+1G>A

Gene: SPRED1 (sprouty related EVH1 domain containing 1; plus strand). Cytogenetic location: 15q14.
Variant type: single nucleotide variant.
Coding change: c.207+1G>A on transcript NM_152594.3 (MANE Select); the canonical splice donor site of the intron after coding-DNA position 207, G replaced by A.
Molecular consequence: splice donor variant.
Genome position (GRCh38, 1-based): chr15:38,299,548, G>A. VCF-style: chr15-38299548-G-A. GRCh37 (hg19) VCF-style: chr15-38591749-G-A.
Identifiers: ClinVar variation 659240 (VCV000659240.7), dbSNP rs1595733611, ClinGen allele CA391934632.
Genomic context (GRCh38, chr15:38,299,548, plus strand): 5'-CAGGAAGAGAATGGCTGTGCTGACTTTTTTATCCGTGGAGAGCGACTCAGGGACAAAATG[G>A]TAATGAATAATGTATCTAATACTATAATTTTAGATAATGAATTATCTGTTTAAAGTTATG-3'

ClinVar aggregate classification (germline): Likely pathogenic (1 of 4 stars; one submission).

Conditions:
Legius syndrome. Identifiers: Orphanet 137605, MedGen C1969623, MONDO:0012669, OMIM 611431. Disease mechanism: loss of function.

Submission:

Labcorp Genetics (formerly Invitae), Labcorp
Classification: Likely pathogenic for Legius syndrome. Last evaluated: 2018-09-10. Review status: criteria provided, single submitter. Criteria: Invitae Variant Classification Sherloc (09022015). Collection method: clinical testing. Allele origin: germline.
Comment: Algorithms developed to predict the effect of sequence changes on RNA splicing suggest that this variant may disrupt the consensus splice site, but this prediction has not been confirmed by published transcriptional studies. In summary, the currently available evidence indicates that the variant is pathogenic, but additional data are needed to prove that conclusively. Therefore, this variant has been classified as Likely Pathogenic. Donor and acceptor splice site variants typically lead to a loss of protein function (PMID: 16199547), and loss-of-function variants in SPRED1 are known to be pathogenic (PMID: 17704776). This variant has not been reported in the literature in individuals with SPRED1-related disease. This variant is not present in population databases (ExAC no frequency). This sequence change affects a donor splice site in intron 2 of the SPRED1 gene. It is expected to disrupt RNA splicing and likely results in an absent or disrupted protein product.

Literature cited by the submitters: PubMed 16199547; PubMed 17704776.